The following is an entry in ClinVar:

ClinVar aggregate classification (germline): Uncertain significance. Review status: criteria provided, multiple submitters, no conflicts (2 of 4 stars). 2 submissions from 2 submitters: Uncertain significance (2). Last evaluated 2023-07-17.

Conditions:
Autosomal dominant Robinow syndrome 3. Identifiers: Orphanet 3107, Orphanet 97360, MedGen C4225164, MONDO:0014819, OMIM 616894.

Allele frequency attached by ClinVar (database versions not stated): gnomAD exomes below 0.00001; TOPMed below 0.00001; ExAC 0.00001; gnomAD 0.00001.
gnomAD v4.1: 3 of 1,614,020 alleles (0.00019%); highest among the groups gnomAD compares: African/African-American, 0.0013%; no homozygotes.

Submissions (2):

Labcorp Genetics (formerly Invitae), Labcorp
Classification: Uncertain significance. Last evaluated: 2023-07-17. Review status: criteria provided, single submitter. Criteria: Invitae Variant Classification Sherloc (09022015). Collection method: clinical testing. Allele origin: germline.
Comment: This variant is present in population databases (rs749840241, gnomAD 0.004%). This sequence change replaces arginine, which is basic and polar, with glutamine, which is neutral and polar, at codon 317 of the DVL3 protein (p.Arg317Gln). This variant has not been reported in the literature in individuals affected with DVL3-related conditions. In summary, the available evidence is currently insufficient to determine the role of this variant in disease. Therefore, it has been classified as a Variant of Uncertain Significance. Algorithms developed to predict the effect of sequence changes on RNA splicing suggest that this variant may disrupt the consensus splice site. Advanced modeling of protein sequence and biophysical properties (such as structural, functional, and spatial information, amino acid conservation, physicochemical variation, residue mobility, and thermodynamic stability) performed at Invitae indicates that this missense variant is not expected to disrupt DVL3 protein function. ClinVar contains an entry for this variant (Variation ID: 2095173).

Baylor Genetics
Classification: Uncertain significance for Autosomal dominant Robinow syndrome 3. Last evaluated: 2021-07-19. Review status: criteria provided, single submitter. Criteria: ACMG Guidelines, 2015. Collection method: clinical testing. Allele origin: unknown.

NM_004423.4(DVL3):c.950G>A (p.Arg317Gln)

Gene: DVL3 (dishevelled segment polarity protein 3; plus strand). Cytogenetic location: 3q27.1.
Variant type: single nucleotide variant.
Coding change: c.950G>A on transcript NM_004423.4 (MANE Select); coding-DNA position 950, G replaced by A.
Protein change: p.Arg317Gln; replaces arginine 317 with glutamine.
Molecular consequence: missense variant.
Genome position (GRCh38, 1-based): chr3:184,166,492, G>A. VCF-style: chr3-184166492-G-A. GRCh37 (hg19) VCF-style: chr3-183884280-G-A.
Other names: short protein forms R317Q.
Identifiers: ClinVar variation 2095173 (VCV002095173.5), dbSNP rs749840241, ClinGen allele CA2727286.